The following is an entry in ClinVar:

NM_005732.4(RAD50):c.1280_1283del (p.Lys427fs)

Gene: RAD50 (RAD50 double strand break repair protein; plus strand). Cytogenetic location: 5q31.1.
Variant type: Deletion.
Coding change: c.1280_1283del on transcript NM_005732.4 (MANE Select); coding-DNA positions 1280 to 1283, 4 bases deleted (AACA; older notation c.1280_1283delAACA).
Protein change: p.Lys427fs; shifts the reading frame from lysine 427.
Molecular consequence: frameshift variant.
Genome position (GRCh38, 1-based): chr5:132,589,665-132,589,668, AACA deleted; deleting any 4 consecutive bases within chr5:132,589,664-132,589,668 gives the same sequence; the c. name uses the placement nearest the transcript's 3' end. VCF-style (leftmost placement, unchanged base first): chr5-132589663-AAAAC-A. GRCh37 (hg19) VCF-style: chr5-131925355-AAAAC-A.
Other names: short protein forms K427fs.
Identifiers: ClinVar variation 2682064 (VCV002682064.1), dbSNP rs2479636783, ClinGen allele CA2697546483.

ClinVar aggregate classification (germline): Pathogenic (1 of 4 stars; one submission).

Submission:

Quest Diagnostics Nichols Institute San Juan Capistrano
Classification: Pathogenic. Last evaluated: 2023-08-24. Review status: criteria provided, single submitter. Criteria: Quest Diagnostics criteria. Collection method: clinical testing. Allele origin: unknown.
Comment: The RAD50 c.1280_1283del (p.Lys427Argfs*2) variant alters the translational reading frame of the RAD50 mRNA and causes the premature termination of RAD50 protein synthesis. This variant has not been reported in individuals with RAD50-related conditions in the published literature. This variant has not been reported in large, multi-ethnic general populations (Genome Aggregation Database). Based on the available information, this variant is classified as pathogenic.